The following is an entry in ClinVar:

ClinVar aggregate classification (germline): Uncertain significance (1 of 4 stars; one submission).

Allele frequency attached by ClinVar (database versions not stated): gnomAD exomes 0.00001.
gnomAD v4.1: 10 of 1,613,706 alleles (0.00062%); highest among the groups gnomAD compares: Non-Finnish European, 0.00085%; no homozygotes.

Submission:

GeneDx
Classification: Uncertain significance. Last evaluated: 2023-03-21. Review status: criteria provided, single submitter. Criteria: GeneDx Variant Classification Process June 2021. Collection method: clinical testing. Allele origin: germline. Affected: yes.
Comment: Not observed at significant frequency in large population cohorts (gnomAD); In silico analysis supports that this missense variant does not alter protein structure/function; Has not been previously published as pathogenic or benign to our knowledge; This variant is associated with the following publications: (PMID: 28545555)

NM_017654.4(SAMD9):c.1753G>A (p.Gly585Arg)

Gene: SAMD9 (sterile alpha motif domain containing 9; minus strand). Cytogenetic location: 7q21.2.
Variant type: single nucleotide variant.
Coding change: c.1753G>A on transcript NM_017654.4 (MANE Select); coding-DNA position 1753, G replaced by A.
Protein change: p.Gly585Arg; replaces glycine 585 with arginine.
Molecular consequence: missense variant.
Genome position (GRCh38, 1-based): chr7:93,104,345, C>T on the plus strand (G>A on the coding strand, the complement: SAMD9 is on the minus strand). VCF-style: chr7-93104345-C-T. GRCh37 (hg19) VCF-style: chr7-92733658-C-T.
Other names: c.1753G>A, p.Gly585Arg (NM_001193307.2); short protein forms G585R.
Identifiers: ClinVar variation 2580412 (VCV002580412.1), dbSNP rs1478284015, ClinGen allele CA368194911.
Genomic context (GRCh38, chr7:93,104,345, plus strand): 5'-ATTGGCTTGAAATTTCATCTTGGTGTTTTATTAATCTTGCTTCAAGTAGATCTTTCCATC[C>T]CTGAAATATGTGTGGGTGCACACAAATACACAGTATATTTTCCATTCCTTTGAGATCCTG-3'
Protein context (NP_060124.2, residues 575-595): CICVHPHIFQ[Gly585Arg]WKDLLEARLI